The following is an entry in ClinVar:

NM_031924.8(RSPH3):c.529G>A (p.Glu177Lys)

Gene: RSPH3 (radial spoke head 3; minus strand). Cytogenetic location: 6q25.3.
Variant type: single nucleotide variant.
Coding change: c.529G>A on transcript NM_031924.8 (MANE Select); coding-DNA position 529, G replaced by A.
Protein change: p.Glu177Lys; replaces glutamic acid 177 with lysine.
Molecular consequence: missense variant. On other transcripts: non-coding transcript variant (1).
Genome position (GRCh38, 1-based): chr6:158,982,652, C>T on the plus strand (G>A on the coding strand, the complement: RSPH3 is on the minus strand). VCF-style: chr6-158982652-C-T. GRCh37 (hg19) VCF-style: chr6-159403684-C-T.
Other names: c.667G>A, p.Glu223Lys (NM_001346418.1); short protein forms E177K, E223K.
Identifiers: ClinVar variation 1717921 (VCV001717921.5), dbSNP rs771086607, ClinGen allele CA4075876.
Genomic context (GRCh38, chr6:158,982,652, plus strand): 5'-GCTCTTCTTCTTCCATTACTTCCAGAAGAGACTGCTCAATTGTCTTCCCCACCAAAACTT[C>T]TAACACTGGTTTAACTTCAAGATCAAAGTCAAAGAGCTTAAACATACAAAATAAAGCAAA-3'
Protein context (NP_114130.4, residues 167-187): DFDLEVKPVL[Glu177Lys]VLVGKTIEQS

ClinVar aggregate classification (germline): Uncertain significance (1 of 4 stars; one submission).

Conditions:
Primary ciliary dyskinesia 32. Also called: CILIARY DYSKINESIA, PRIMARY, 32, WITHOUT SITUS INVERSUS. Identifiers: Orphanet 244, MedGen C4225311, MONDO:0014657, OMIM 616481.

Submission:

Labcorp Genetics (formerly Invitae), Labcorp
Classification: Uncertain significance for Primary ciliary dyskinesia 32. Last evaluated: 2022-08-10. Review status: criteria provided, single submitter. Criteria: Invitae Variant Classification Sherloc (09022015). Collection method: clinical testing. Allele origin: germline.
Comment: In summary, the available evidence is currently insufficient to determine the role of this variant in disease. Therefore, it has been classified as a Variant of Uncertain Significance. Algorithms developed to predict the effect of missense changes on protein structure and function are either unavailable or do not agree on the potential impact of this missense change (SIFT: "Deleterious"; PolyPhen-2: "Probably Damaging"; Align-GVGD: "Class C0"). This variant has not been reported in the literature in individuals affected with RSPH3-related conditions. This variant is present in population databases (rs771086607, gnomAD 0.003%). This sequence change replaces glutamic acid, which is acidic and polar, with lysine, which is basic and polar, at codon 319 of the RSPH3 protein (p.Glu319Lys).